The following is an entry in ClinVar:

NM_016239.4(MYO15A):c.4656-1G>A

Gene: MYO15A (myosin XVA; plus strand). Cytogenetic location: 17p11.2.
Variant type: single nucleotide variant.
Coding change: c.4656-1G>A on transcript NM_016239.4 (MANE Select); the canonical splice acceptor site of the intron before coding-DNA position 4656, G replaced by A.
Molecular consequence: splice acceptor variant.
Genome position (GRCh38, 1-based): chr17:18,136,562, G>A. VCF-style: chr17-18136562-G-A. GRCh37 (hg19) VCF-style: chr17-18039876-G-A.
Identifiers: ClinVar variation 3601341 (VCV003601341.1).

ClinVar aggregate classification (germline): Pathogenic (1 of 4 stars; one submission).

Conditions:
Autosomal recessive nonsyndromic hearing loss 3. Also called: NEUROSENSORY NONSYNDROMIC RECESSIVE DEAFNESS 3. Identifiers: Orphanet 90636, MedGen C1838263, MONDO:0010860, OMIM 600316.

gnomAD v4.1: 1 of 1,614,044 alleles (0.000062%); highest among the groups gnomAD compares: Non-Finnish European, 0.000085%; no homozygotes.

Submission:

Institute of Rare Diseases, West China Hospital, Sichuan University
Classification: Pathogenic for Autosomal recessive nonsyndromic hearing loss 3. Last evaluated: 2025-01-09. Review status: criteria provided, single submitter. Criteria: ClinGen HL ACMG Specifications v1. Collection method: research. Allele origin: germline. Affected: yes.
Comment: PVS1;PM3;PM2_Supporting